The following is an entry in ClinVar:

NM_006231.4(POLE):c.1781C>T (p.Thr594Ile)

Gene: POLE (DNA polymerase epsilon, catalytic subunit; minus strand). Cytogenetic location: 12q24.33.
Variant type: single nucleotide variant.
Coding change: c.1781C>T on transcript NM_006231.4 (MANE Select); coding-DNA position 1781, C replaced by T.
Protein change: p.Thr594Ile; replaces threonine 594 with isoleucine.
Molecular consequence: missense variant.
Genome position (GRCh38, 1-based): chr12:132,672,228, G>A on the plus strand (C>T on the coding strand, the complement: POLE is on the minus strand). VCF-style: chr12-132672228-G-A. GRCh37 (hg19) VCF-style: chr12-133248814-G-A.
Other names: short protein forms T594I.
Identifiers: ClinVar variation 413534 (VCV000413534.17), dbSNP rs574033788, ClinGen allele CA6893836.

ClinVar aggregate classification (germline): Conflicting classifications of pathogenicity. Review status: criteria provided, conflicting classifications (1 of 4 stars). 5 submissions from 5 submitters: Uncertain significance (1); Benign (2); Likely benign (2). Last evaluated 2026-01-05.

Conditions:
Colorectal cancer, susceptibility to, 12 (CRCS12). Also called: COLORECTAL CANCER, SUSCEPTIBILITY TO, ON CHROMOSOME 12q24. Identifiers: Orphanet 220460, MedGen C3554460, MONDO:0014038, OMIM 615083.
Hereditary cancer-predisposing syndrome. Also called: Neoplastic Syndromes, Hereditary; Tumor predisposition; Hereditary Cancer Syndrome; Hereditary neoplastic syndrome. Identifiers: Orphanet 140162, MedGen C0027672, MeSH D009386, MONDO:0015356.

Allele frequency attached by ClinVar (database versions not stated): gnomAD below 0.00001 and 0.00001; TOPMed below 0.00001; gnomAD exomes 0.00014; 1000 Genomes Project 30x 0.00016; ExAC 0.00016; 1000 Genomes Project 0.00020.
gnomAD v4.1: 65 of 1,613,560 alleles (0.004%); highest among the groups gnomAD compares: South Asian, 0.069%; no homozygotes.

Submissions (5):

Labcorp Genetics (formerly Invitae), Labcorp
Classification: Likely benign. Last evaluated: 2026-01-05. Review status: criteria provided, single submitter. Criteria: Invitae Variant Classification Sherloc (09022015). Collection method: clinical testing. Allele origin: germline.

Ambry Genetics
Classification: Benign for Hereditary cancer-predisposing syndrome. Last evaluated: 2024-02-27. Review status: criteria provided, single submitter. Criteria: Ambry Variant Classification Scheme 2023. Collection method: clinical testing. Allele origin: germline.

KCCC/NGS Laboratory, Kuwait Cancer Control Center
Classification: Likely benign for Colorectal cancer, susceptibility to, 12. Last evaluated: 2023-07-07. Review status: criteria provided, single submitter. Criteria: ACMG Guidelines, 2015. Collection method: clinical testing. Allele origin: germline. Affected: yes.

GeneDx
Classification: Uncertain significance. Last evaluated: 2022-12-02. Review status: criteria provided, single submitter. Criteria: GeneDx Variant Classification Process June 2021. Collection method: clinical testing. Allele origin: germline. Affected: yes.
Comment: In silico analysis supports that this missense variant has a deleterious effect on protein structure/function; Has not been previously published as pathogenic or benign to our knowledge; This variant is associated with the following publications: (PMID: 20951805, 32682410)

Quest Diagnostics Nichols Institute San Juan Capistrano
Classification: Benign. Last evaluated: 2019-07-19. Review status: criteria provided, single submitter. Criteria: Quest Diagnostics criteria. Collection method: clinical testing. Allele origin: germline.